The following is an entry in ClinVar:

ClinVar aggregate classification (germline): Uncertain significance. Review status: criteria provided, multiple submitters, no conflicts (2 of 4 stars). 3 submissions from 3 submitters: Uncertain significance (2). 1 of the submissions does not count toward it. Last evaluated 2025-04-17.

Conditions:
CDSN-related disorder. Also called: CDSN-related condition.
Inborn genetic diseases. Identifiers: MedGen C0950123, MeSH D030342.

Allele frequency attached by ClinVar (database versions not stated): ExAC 0.00016; gnomAD 0.00017; TOPMed 0.00017; gnomAD exomes 0.00031; ESP Exome Variant Server 0.00054.

Submissions (3):

Labcorp Genetics (formerly Invitae), Labcorp
Classification: Uncertain significance. Last evaluated: 2025-04-17. Review status: criteria provided, single submitter. Criteria: Invitae Variant Classification Sherloc (09022015). Collection method: clinical testing. Allele origin: germline.
Comment: This sequence change replaces proline, which is neutral and non-polar, with serine, which is neutral and polar, at codon 226 of the CDSN protein (p.Pro226Ser). This variant is present in population databases (rs138357138, gnomAD 0.03%). This variant has not been reported in the literature in individuals affected with CDSN-related conditions. ClinVar contains an entry for this variant (Variation ID: 2360434). Invitae Evidence Modeling of protein sequence and biophysical properties (such as structural, functional, and spatial information, amino acid conservation, physicochemical variation, residue mobility, and thermodynamic stability) indicates that this missense variant is not expected to disrupt CDSN protein function with a negative predictive value of 80%. In summary, the available evidence is currently insufficient to determine the role of this variant in disease. Therefore, it has been classified as a Variant of Uncertain Significance.

Ambry Genetics
Classification: Uncertain significance for Inborn genetic diseases. Last evaluated: 2024-10-07. Review status: criteria provided, single submitter. Criteria: Ambry Variant Classification Scheme 2023. Collection method: clinical testing. Allele origin: germline.

PreventionGenetics, part of Exact Sciences
Classification: Uncertain significance for CDSN-related condition. Last evaluated: 2024-09-19. Review status: no assertion criteria provided. Collection method: clinical testing. Allele origin: germline. Not counted in ClinVar's aggregate classification.
Comment: The CDSN c.676C>T variant is predicted to result in the amino acid substitution p.Pro226Ser. To our knowledge, this variant has not been reported in the literature. This variant is reported in 0.029% of alleles in individuals of European (Non-Finnish) descent in gnomAD. At this time, the clinical significance of this variant is uncertain due to the absence of conclusive functional and genetic evidence.

NM_001264.5(CDSN):c.676C>T (p.Pro226Ser)

Genes: CDSN (corneodesmosin; minus strand), PSORS1C1 (psoriasis susceptibility 1 candidate 1; plus strand). Cytogenetic location: 6p21.33.
Variant type: single nucleotide variant.
Coding change: c.676C>T on transcript NM_001264.5 (MANE Select); coding-DNA position 676, C replaced by T.
Protein change: p.Pro226Ser; replaces proline 226 with serine.
Molecular consequence: missense variant. On other transcripts: intron variant (1).
Genome position (GRCh38, 1-based): chr6:31,116,939, G>A on the plus strand (C>T on the coding strand, the complement: CDSN is on the minus strand). VCF-style: chr6-31116939-G-A. GRCh37 (hg19) VCF-style: chr6-31084716-G-A.
Other names: c.-229+2048G>A (NM_014068.3); short protein forms P226S.
Identifiers: ClinVar variation 2360434 (VCV002360434.5), dbSNP rs138357138, ClinGen allele CA3708448.